The following is an entry in ClinVar:

NM_006796.3(AFG3L2):c.317G>A (p.Arg106His)

Gene: AFG3L2 (AFG3 like matrix AAA peptidase subunit 2; minus strand). Cytogenetic location: 18p11.21.
Variant type: single nucleotide variant.
Coding change: c.317G>A on transcript NM_006796.3 (MANE Select); coding-DNA position 317, G replaced by A.
Protein change: p.Arg106His; replaces arginine 106 with histidine.
Molecular consequence: missense variant.
Genome position (GRCh38, 1-based): chr18:12,367,358, C>T on the plus strand (G>A on the coding strand, the complement: AFG3L2 is on the minus strand). VCF-style: chr18-12367358-C-T. GRCh37 (hg19) VCF-style: chr18-12367357-C-T.
Other names: short protein forms R106H.
Identifiers: ClinVar variation 2200645 (VCV002200645.6), dbSNP rs768653338, ClinGen allele CA8896764.
Genomic context (GRCh38, chr18:12,367,358, plus strand): 5'-TGAGAATCATCTTTCTTGCCACCTCGTTTTCCACCGCCACCACCTCCTCCTCCAGAAGAG[C>T]GTGTGGTAGCAGCTGGCTTTGATTCTGTTCATAAACAAAGAGCACACACAGAAGCACGGC-3'
Protein context (NP_006787.2, residues 96-116): KKESKPAATT[Arg106His]SSGGGGGGGG

ClinVar aggregate classification (germline): Uncertain significance. Review status: criteria provided, multiple submitters, no conflicts (2 of 4 stars). 3 submissions from 3 submitters: Uncertain significance (3). Last evaluated 2025-04-02.

Conditions:
Inborn genetic diseases. Identifiers: MedGen C0950123, MeSH D030342.

Allele frequency attached by ClinVar (database versions not stated): TOPMed 0.00001; ExAC 0.00004.

Submissions (3):

Ambry Genetics
Classification: Uncertain significance for Inborn genetic diseases. Last evaluated: 2025-04-02. Review status: criteria provided, single submitter. Criteria: Ambry Variant Classification Scheme 2023. Collection method: clinical testing. Allele origin: germline.

Labcorp Genetics (formerly Invitae), Labcorp
Classification: Uncertain significance. Last evaluated: 2022-11-01. Review status: criteria provided, single submitter. Criteria: Invitae Variant Classification Sherloc (09022015). Collection method: clinical testing. Allele origin: germline.
Comment: In summary, the available evidence is currently insufficient to determine the role of this variant in disease. Therefore, it has been classified as a Variant of Uncertain Significance. Advanced modeling of protein sequence and biophysical properties (such as structural, functional, and spatial information, amino acid conservation, physicochemical variation, residue mobility, and thermodynamic stability) performed at Invitae indicates that this missense variant is not expected to disrupt AFG3L2 protein function. This variant has not been reported in the literature in individuals affected with AFG3L2-related conditions. This variant is present in population databases (rs768653338, gnomAD 0.03%). This sequence change replaces arginine, which is basic and polar, with histidine, which is basic and polar, at codon 106 of the AFG3L2 protein (p.Arg106His).

GeneDx
Classification: Uncertain significance. Last evaluated: 2022-09-19. Review status: criteria provided, single submitter. Criteria: GeneDx Variant Classification Process June 2021. Collection method: clinical testing. Allele origin: germline. Affected: yes.
Comment: In silico analysis supports that this missense variant does not alter protein structure/function; Has not been previously published as pathogenic or benign to our knowledge